The following is an entry in ClinVar:

ClinVar aggregate classification (germline): Uncertain significance (1 of 4 stars; one submission).

Conditions:
Inborn genetic diseases. Identifiers: MedGen C0950123, MeSH D030342.

gnomAD v4.1: 1 of 1,611,592 alleles (0.000062%); highest among the groups gnomAD compares: Non-Finnish European, 0.000085%; no homozygotes.

Submission:

Ambry Genetics
Classification: Uncertain significance for Inborn genetic diseases. Last evaluated: 2026-03-15. Review status: criteria provided, single submitter. Criteria: Ambry Variant Classification Scheme 2023. Collection method: clinical testing. Allele origin: germline.
Comment: The p.P320S variant (also known as c.958C>T), located in coding exon 8 of the PAX5 gene, results from a C to T substitution at nucleotide position 958. The proline at codon 320 is replaced by serine, an amino acid with similar properties. This amino acid position is conserved. In addition, the in silico prediction for this alteration is inconclusive. Based on the available evidence, the clinical significance of this variant remains unclear.

NM_016734.3(PAX5):c.958C>T (p.Pro320Ser)

Gene: PAX5 (paired box 5; minus strand). Cytogenetic location: 9p13.2.
Variant type: single nucleotide variant.
Coding change: c.958C>T on transcript NM_016734.3 (MANE Select); coding-DNA position 958, C replaced by T.
Protein change: p.Pro320Ser; replaces proline 320 with serine.
Molecular consequence: missense variant. On other transcripts: non-coding transcript variant (2), intron variant (6).
Genome position (GRCh38, 1-based): chr9:36,882,058, G>A on the plus strand (C>T on the coding strand, the complement: PAX5 is on the minus strand). VCF-style: chr9-36882058-G-A. GRCh37 (hg19) VCF-style: chr9-36882055-G-A.
Other names: c.958C>T, p.Pro320Ser (NM_001280548.2); c.829C>T, p.Pro277Ser (NM_001280553.2, NM_001280554.2); c.634C>T, p.Pro212Ser (NM_001280556.2); c.586+41297C>T (NM_001280551.2); c.713-35129C>T (NM_001280555.2); c.781-41422C>T (NM_001280550.2); c.781-35129C>T (NM_001280549.2); c.910+41297C>T (NM_001280552.2); and 1 more; short protein forms P212S, P277S, P320S.
Identifiers: ClinVar variation 4861587 (VCV004861587.1).
Genomic context (GRCh38, chr9:36,882,058, plus strand): 5'-ACTCACCAGGCACCATCCCTGTCAGCGTCGGTGCTGAGTAGCTGCCCTGTCCAGCGGGGG[G>A]GACGTGTGGAGGGTACCCGGGGAGGGTCGTGCTCGCCAAGTCACGGCCTGAGGAATCAAA-3'
Protein context (NP_057953.1, residues 310-330): TTLPGYPPHV[Pro320Ser]PAGQGSYSAP